The following is an entry in ClinVar:

NM_014714.4(IFT140):c.3002C>T (p.Ala1001Val)

Genes: IFT140 (intraflagellar transport 140; minus strand), LOC126862260 (CDK7 strongly-dependent group 2 enhancer GRCh37_chr16:1574508-1575707; plus strand). Cytogenetic location: 16p13.3.
Variant type: single nucleotide variant.
Coding change: c.3002C>T on transcript NM_014714.4 (MANE Select); coding-DNA position 3002, C replaced by T.
Protein change: p.Ala1001Val; replaces alanine 1001 with valine.
Molecular consequence: missense variant.
Genome position (GRCh38, 1-based): chr16:1,524,691, G>A on the plus strand (C>T on the coding strand, the complement: IFT140 is on the minus strand). VCF-style: chr16-1524691-G-A. GRCh37 (hg19) VCF-style: chr16-1574692-G-A.
Other names: short protein forms A1001V.
Identifiers: ClinVar variation 2518175 (VCV002518175.3), dbSNP rs758890033, ClinGen allele CA394226172.

ClinVar aggregate classification (germline): Uncertain significance. Review status: criteria provided, single submitter (1 of 4 stars). 2 submissions from 2 submitters: Uncertain significance (1). 1 of the submissions does not count toward it. Last evaluated 2023-06-06.

Conditions:
Inborn genetic diseases. Identifiers: MedGen C0950123, MeSH D030342.
IFT140-related disorder. Also called: IFT140-related condition.

gnomAD v4.1: 18 of 1,573,884 alleles (0.0011%); highest among the groups gnomAD compares: Non-Finnish European, 0.0014%; no homozygotes.

Submissions (2):

Ambry Genetics
Classification: Uncertain significance for Inborn genetic diseases. Last evaluated: 2023-06-06. Review status: criteria provided, single submitter. Criteria: Ambry Variant Classification Scheme 2023. Collection method: clinical testing. Allele origin: germline.

PreventionGenetics, part of Exact Sciences
Classification: Uncertain significance for IFT140-related condition. Last evaluated: 2024-03-28. Review status: no assertion criteria provided. Collection method: clinical testing. Allele origin: germline. Not counted in ClinVar's aggregate classification.
Comment: The IFT140 c.3002C>T variant is predicted to result in the amino acid substitution p.Ala1001Val. To our knowledge, this variant has not been reported in the literature. This variant is reported in 0.0019% of alleles in individuals of European (Non-Finnish) descent in gnomAD. At this time, the clinical significance of this variant is uncertain due to the absence of conclusive functional and genetic evidence.